The following is an entry in ClinVar:

ClinVar aggregate classification (germline): drug response. Review status: criteria provided, single submitter (1 of 4 stars). 2 submissions from 2 submitters: drug response (1). 1 of the submissions does not count toward it. Last evaluated 2019-05-01.

Conditions:
Debrisoquine, poor metabolism of. Identifiers: MedGen C1837156.
Tamoxifen response. Also called: Nolvadex response. Identifiers: MedGen CN078013.

Submissions (2):

Medical Genetics Summaries
Classification: drug response for Tamoxifen response. Last evaluated: 2019-05-01. Review status: criteria provided, single submitter. Criteria: Tamoxifen Therapy and CYP2D6 Genotype. Collection method: curation. Allele origin: germline.
Comment: Individuals who do not have any fully functional alleles are either intermediate metabolizers (one decreased function and one no function allele, e.g., *4/*41) or poor metabolizers (2 no function alleles, e.g., *4/*4). Currently, there is no consensus on therapeutic guidelines for tamoxifen based on CYP2D6 genotype. Professional societies suggest that poor metabolizers may benefit less from tamoxifen therapy because they have lower concentrations of tamoxifen's major active metabolite, endoxifin, compared with normal metabolizers.

full gene deletion

OMIM
Classification: drug response for DEBRISOQUINE, POOR METABOLISM OF. Last evaluated: 2004-01-01. Review status: no assertion criteria provided. Collection method: literature only. Allele origin: germline. Not counted in ClinVar's aggregate classification.

Literature cited by the submitters: PubMed 29385237 (cited by Medical Genetics Summaries); PubMed 21814747 (cited by Medical Genetics Summaries); PubMed 15159443 (cited by Medical Genetics Summaries); PubMed 24697814 (cited by Medical Genetics Summaries); PubMed 28955222 (cited by Medical Genetics Summaries); PubMed 29459457 (cited by Medical Genetics Summaries); PubMed 29801584 (cited by Medical Genetics Summaries); PubMed 27883289 (cited by Medical Genetics Summaries); PubMed 28592184 (cited by Medical Genetics Summaries); PubMed 27249031 (cited by Medical Genetics Summaries); PubMed 27060675 (cited by Medical Genetics Summaries); PubMed 27551126 (cited by Medical Genetics Summaries); PubMed 27226358 (cited by Medical Genetics Summaries); PubMed 29183390 (cited by Medical Genetics Summaries); PubMed 28762370 (cited by Medical Genetics Summaries); PubMed 23872831 (cited by Medical Genetics Summaries); PubMed 24033728 (cited by Medical Genetics Summaries); PubMed 29135105 (cited by Medical Genetics Summaries); PubMed 28730340 (cited by Medical Genetics Summaries); PubMed 22395644 (cited by Medical Genetics Summaries); PubMed 22395643 (cited by Medical Genetics Summaries); PubMed 27988492 (cited by Medical Genetics Summaries); PubMed 30676859 (cited by Medical Genetics Summaries); PubMed 17761971 (cited by Medical Genetics Summaries); PubMed 25091503 (cited by Medical Genetics Summaries); PubMed 24329190 (cited by Medical Genetics Summaries); PubMed 24060820 (cited by Medical Genetics Summaries); PubMed 27797974 (cited by Medical Genetics Summaries); PubMed 19809024 (cited by Medical Genetics Summaries); PubMed 1978251 (cited by OMIM); PubMed 1673290 (cited by OMIM); PubMed 8634695 (cited by OMIM); PubMed 10675100 (cited by OMIM); PubMed 15128046 (cited by OMIM).

CYP2D6*5

Gene: CYP2D6 (cytochrome P450 family 2 subfamily D member 6 (gene/pseudogene); minus strand). Cytogenetic location: 22q13.1.
Variant type: Deletion.
Other names: CYP2D6, DEL.
Identifiers: ClinVar variation 16890 (VCV000016890.3).